The following is an entry in ClinVar:

NM_024301.5(FKRP):c.1316T>A (p.Val439Glu)

Gene: FKRP (fukutin related protein; plus strand). Cytogenetic location: 19q13.32.
Variant type: single nucleotide variant.
Coding change: c.1316T>A on transcript NM_024301.5 (MANE Select); coding-DNA position 1316, T replaced by A.
Protein change: p.Val439Glu; replaces valine 439 with glutamic acid.
Molecular consequence: missense variant.
Genome position (GRCh38, 1-based): chr19:46,756,766, T>A. VCF-style: chr19-46756766-T-A. GRCh37 (hg19) VCF-style: chr19-47260023-T-A.
Other names: c.1316T>A, p.Val439Glu (NM_001039885.3); short protein forms V439E.
Identifiers: ClinVar variation 285958 (VCV000285958.14), dbSNP rs754002921, ClinGen allele CA9532294.

ClinVar aggregate classification (germline): Uncertain significance. Review status: criteria provided, multiple submitters, no conflicts (2 of 4 stars). 2 submissions from 2 submitters: Uncertain significance (2). Last evaluated 2022-06-27.

Conditions:
Walker-Warburg congenital muscular dystrophy. Also called: Muscular dystrophy-dystroglycanopathy, type A; Walker-Warburg syndrome. Identifiers: Orphanet 899, MedGen C0265221, MONDO:0000171.

Allele frequency attached by ClinVar (database versions not stated): gnomAD exomes below 0.00001; TOPMed below 0.00001; ExAC 0.00001; gnomAD 0.00001.
gnomAD v4.1: 2 of 1,604,830 alleles (0.00012%); highest among the groups gnomAD compares: Non-Finnish European, 0.00017%; no homozygotes.

Submissions (2):

Labcorp Genetics (formerly Invitae), Labcorp
Classification: Uncertain significance for Walker-Warburg congenital muscular dystrophy. Last evaluated: 2022-06-27. Review status: criteria provided, single submitter. Criteria: Invitae Variant Classification Sherloc (09022015). Collection method: clinical testing. Allele origin: germline.
Comment: In summary, the available evidence is currently insufficient to determine the role of this variant in disease. Therefore, it has been classified as a Variant of Uncertain Significance. Algorithms developed to predict the effect of missense changes on protein structure and function are either unavailable or do not agree on the potential impact of this missense change (SIFT: "Tolerated"; PolyPhen-2: "Possibly Damaging"; Align-GVGD: "Class C0"). ClinVar contains an entry for this variant (Variation ID: 285958). This variant has not been reported in the literature in individuals affected with FKRP-related conditions. This variant is present in population databases (rs754002921, gnomAD 0.001%). This sequence change replaces valine, which is neutral and non-polar, with glutamic acid, which is acidic and polar, at codon 439 of the FKRP protein (p.Val439Glu).

Eurofins Ntd Llc (ga)
Classification: Uncertain significance. Last evaluated: 2016-02-02. Review status: criteria provided, single submitter. Criteria: EGL Classification Definitions 2015. Collection method: clinical testing. Allele origin: germline. Observed: 1 variant allele, 1 heterozygote.